The following is an entry in ClinVar:

ClinVar aggregate classification (germline): Conflicting classifications of pathogenicity. Review status: criteria provided, conflicting classifications (1 of 4 stars). 8 submissions from 8 submitters: Uncertain significance (4); Likely benign (3). 1 of the submissions does not count toward it. Last evaluated 2026-01-21.

Conditions:
PLEC-related disorder. Also called: PLEC-related disorders; PLEC-related condition.
Inborn genetic diseases. Identifiers: MedGen C0950123, MeSH D030342.
Epidermolysis bullosa simplex, Ogna type (EBS5A). Also called: Pidermolysis bullosa simplex 5A, Ogna type; EPIDERMOLYSIS BULLOSA SIMPLEX 5A, OGNA TYPE. Identifiers: Orphanet 79401, MedGen C0432317, MONDO:0007555, OMIM 131950.
Epidermolysis bullosa simplex 5C, with pyloric atresia (EBS5C). Also called: PLEC-Related Epidermolysis Bullosa with Pyloric Atresia; Epidermolysis bullosa simplex with pyloric atresia; PLEC1-Related Epidermolysis Bullosa with Pyloric Atresia. Identifiers: Orphanet 158684, MedGen C2677349, MONDO:0012807, OMIM 612138.
Autosomal recessive limb-girdle muscular dystrophy type 2Q (LGMDR17). Also called: MUSCULAR DYSTROPHY, LIMB-GIRDLE, AUTOSOMAL RECESSIVE 17. Identifiers: Orphanet 254361, MedGen C3150989, MONDO:0013390, OMIM 613723.
Epidermolysis bullosa simplex with nail dystrophy (EBS5D). Identifiers: MedGen C4225309, MONDO:0014661, OMIM 616487.
Epidermolysis bullosa simplex 5B, with muscular dystrophy (EBS5B). Also called: EPIDERMOLYSIS BULLOSA SIMPLEX AND LIMB-GIRDLE MUSCULAR DYSTROPHY; Epidermolysis bullosa simplex with muscular dystrophy. Identifiers: Orphanet 257, MedGen C2931072, MONDO:0009181, OMIM 226670.

Allele frequency attached by ClinVar (database versions not stated): ExAC 0.00036; gnomAD exomes 0.00047; ESP Exome Variant Server 0.00055; gnomAD 0.00064 and 0.00068; TOPMed 0.00099; 1000 Genomes Project 0.00140; 1000 Genomes Project 30x 0.00156.
gnomAD v4.1: 843 of 1,610,650 alleles (0.052%); highest among the groups gnomAD compares: Admixed American, 0.26%; 5 homozygotes.

Submissions (8):

Labcorp Genetics (formerly Invitae), Labcorp
Classification: Uncertain significance for Autosomal recessive limb-girdle muscular dystrophy type 2Q; Epidermolysis bullosa simplex, Ogna type; Epidermolysis bullosa simplex with nail dystrophy; Epidermolysis bullosa simplex 5C, with pyloric atresia; Epidermolysis bullosa simplex 5B, with muscular dystrophy. Last evaluated: 2026-01-21. Review status: criteria provided, single submitter. Criteria: Invitae Variant Classification Sherloc (09022015). Collection method: clinical testing. Allele origin: germline.
Comment: This sequence change replaces arginine, which is basic and polar, with glutamine, which is neutral and polar, at codon 2206 of the PLEC protein (p.Arg2206Gln). This variant is present in population databases (rs117962829, gnomAD 0.2%), and has an allele count higher than expected for a pathogenic variant. This missense change has been observed in individual(s) with clinical features of PLEC-related conditions (internal data). ClinVar contains an entry for this variant (Variation ID: 196752). An algorithm developed to predict the effect of missense changes on protein structure and function (PolyPhen-2) suggests that this variant is likely to be disruptive. In summary, the available evidence is currently insufficient to determine the role of this variant in disease. Therefore, it has been classified as a Variant of Uncertain Significance.

Ambry Genetics
Classification: Uncertain significance for Inborn genetic diseases. Last evaluated: 2025-06-18. Review status: criteria provided, single submitter. Criteria: Ambry Variant Classification Scheme 2023. Collection method: clinical testing. Allele origin: germline.

CeGaT Center for Human Genetics Tuebingen
Classification: Likely benign. Last evaluated: 2025-01-01. Review status: criteria provided, single submitter. Criteria: CeGaT Center For Human Genetics Tuebingen Variant Classification Criteria Version 2. Collection method: clinical testing. Allele origin: germline. Affected: yes. Observed: 1 variant allele.
Comment: PLEC: BP4, BS2

Blueprint Genetics
Classification: Likely benign. Last evaluated: 2024-10-14. Review status: criteria provided, single submitter. Criteria: ACMG Guidelines, 2015. Collection method: clinical testing. Allele origin: germline.

Mayo Clinic Laboratories, Mayo Clinic
Classification: Uncertain significance. Last evaluated: 2023-06-21. Review status: criteria provided, single submitter. Criteria: ACMG Guidelines, 2015. Collection method: clinical testing. Allele origin: germline. Observed: 1 variant allele.
Comment: BP4

GeneDx
Classification: Likely benign. Last evaluated: 2021-02-27. Review status: criteria provided, single submitter. Criteria: GeneDx Variant Classification Process June 2021. Collection method: clinical testing. Allele origin: germline. Affected: yes.

Eurofins Ntd Llc (ga)
Classification: Uncertain significance. Last evaluated: 2015-07-15. Review status: criteria provided, single submitter. Criteria: EGL Classification Definitions 2015. Collection method: clinical testing. Allele origin: germline. Observed: 4 variant alleles, 4 heterozygotes.

PreventionGenetics, part of Exact Sciences
Classification: Likely benign for PLEC-related condition. Last evaluated: 2023-08-16. Review status: no assertion criteria provided. Collection method: clinical testing. Allele origin: germline. Not counted in ClinVar's aggregate classification.
Comment: This variant is classified as likely benign based on ACMG/AMP sequence variant interpretation guidelines (Richards et al. 2015 PMID: 25741868, with internal and published modifications).

NM_201384.3(PLEC):c.6536G>A (p.Arg2179Gln)

Gene: PLEC (plectin; minus strand). Cytogenetic location: 8q24.3.
Variant type: single nucleotide variant.
Coding change: c.6536G>A on transcript NM_201384.3 (MANE Select); coding-DNA position 6536, G replaced by A.
Protein change: p.Arg2179Gln; replaces arginine 2179 with glutamine.
Molecular consequence: missense variant.
Genome position (GRCh38, 1-based): chr8:143,923,393, C>T on the plus strand (G>A on the coding strand, the complement: PLEC is on the minus strand). VCF-style: chr8-143923393-C-T. GRCh37 (hg19) VCF-style: chr8-144997561-C-T.
Other names: p.Arg2206Gln; c.6617G>A, p.Arg2206Gln (NM_000445.5); c.6494G>A, p.Arg2165Gln (NM_201378.4); c.6470G>A, p.Arg2157Gln (NM_201379.3); c.6947G>A, p.Arg2316Gln (NM_201380.4); c.6440G>A, p.Arg2147Gln (NM_201381.3); c.6536G>A, p.Arg2179Gln (NM_201382.4); c.6548G>A, p.Arg2183Gln (NM_201383.3); short protein forms R2147Q, R2157Q, R2165Q, R2179Q, R2183Q, R2206Q, R2316Q.
Identifiers: ClinVar variation 196752 (VCV000196752.33), dbSNP rs117962829, ClinGen allele CA244002.